The following is an entry in ClinVar:

NM_000179.3(MSH6):c.651_655del (p.Asp217fs)

Gene: MSH6 (mutS homolog 6; plus strand). Cytogenetic location: 2p16.3.
Variant type: Deletion.
Coding change: c.651_655del on transcript NM_000179.3 (MANE Select); coding-DNA positions 651 to 655, 5 bases deleted (TAAGA; older notation c.651_655delTAAGA).
Protein change: p.Asp217fs; shifts the reading frame from aspartic acid 217.
Molecular consequence: frameshift variant. On other transcripts: 5 prime UTR variant (2).
Genome position (GRCh38, 1-based): chr2:47,798,634-47,798,638, TAAGA deleted; deleting any 5 consecutive bases within chr2:47,798,631-47,798,638 gives the same sequence; the c. name uses the placement nearest the transcript's 3' end. VCF-style (leftmost placement, unchanged base first): chr2-47798630-CAGATA-C. GRCh37 (hg19) VCF-style: chr2-48025769-CAGATA-C.
Other names: c.261_265del, p.Asp87fs (NM_001281492.2); c.-256_-252del (NM_001281493.2, NM_001281494.2); c.651_655delTAAGA (NM_000179.2); short protein forms D217fs, D87fs.
Identifiers: ClinVar variation 958027 (VCV000958027.11), dbSNP rs1669240720, ClinGen allele CA1139657003.

ClinVar aggregate classification (germline): Pathogenic. Review status: criteria provided, multiple submitters, no conflicts (2 of 4 stars). 3 submissions from 3 submitters: Pathogenic (3). Last evaluated 2026-02-01.

Conditions:
Hereditary nonpolyposis colorectal neoplasms. Identifiers: MedGen C0009405, MeSH D003123.
Hereditary cancer-predisposing syndrome. Also called: Tumor predisposition; Hereditary neoplastic syndrome; Neoplastic Syndromes, Hereditary; Hereditary Cancer Syndrome. Identifiers: Orphanet 140162, MedGen C0027672, MeSH D009386, MONDO:0015356.
Lynch syndrome 5 (LYNCH5). Also called: Hereditary non-polyposis colorectal cancer, type 5; Colorectal cancer, hereditary nonpolyposis, type 5. Identifiers: Orphanet 144, MedGen C1833477, MONDO:0013710, OMIM 614350. Disease mechanism: loss of function.

Submissions (3):

Labcorp Genetics (formerly Invitae), Labcorp
Classification: Pathogenic for Hereditary nonpolyposis colorectal neoplasms. Last evaluated: 2026-02-01. Review status: criteria provided, single submitter. Criteria: Invitae Variant Classification Sherloc (09022015). Collection method: clinical testing. Allele origin: germline.
Comment: This sequence change creates a premature translational stop signal (p.Asp217Glufs*2) in the MSH6 gene. It is expected to result in an absent or disrupted protein product. Loss-of-function variants in MSH6 are known to be pathogenic (PMID: 18269114, 24362816). This variant is not present in population databases (gnomAD no frequency). This variant has not been reported in the literature in individuals affected with MSH6-related conditions. ClinVar contains an entry for this variant (Variation ID: 958027). For these reasons, this variant has been classified as Pathogenic.

Myriad Genetics, Inc.
Classification: Pathogenic for Lynch syndrome 5. Last evaluated: 2023-08-10. Review status: criteria provided, single submitter. Criteria: Myriad Autosomal Dominant, Autosomal Recessive and X-Linked Classification Criteria (2023). Collection method: clinical testing. Allele origin: unknown.
Comment: This variant is considered pathogenic. This variant creates a frameshift predicted to result in premature protein truncation.

Ambry Genetics
Classification: Pathogenic for Hereditary cancer-predisposing syndrome. Last evaluated: 2022-04-18. Review status: criteria provided, single submitter. Criteria: Ambry Variant Classification Scheme 2023. Collection method: clinical testing. Allele origin: germline.
Comment: The c.651_655delTAAGA pathogenic mutation, located in coding exon 4 of the MSH6 gene, results from a deletion of 5 nucleotides at nucleotide positions 651 to 655, causing a translational frameshift with a predicted alternate stop codon (p.D217Efs*2). This variant is considered to be rare based on population cohorts in the Genome Aggregation Database (gnomAD). This alteration is expected to result in loss of function by premature protein truncation or nonsense-mediated mRNA decay. As such, this alteration is interpreted as a disease-causing mutation.

Literature cited by the submitters: PubMed 18269114 (cited by Labcorp Genetics (formerly Invitae), Labcorp); PubMed 24362816 (cited by Labcorp Genetics (formerly Invitae), Labcorp).